The following is an entry in ClinVar:

NM_198721.4(COL25A1):c.1845+2130_1845+2131insAAAAAAAAAAAAAAAAAAAAA

Gene: COL25A1 (collagen type XXV alpha 1 chain; minus strand). Cytogenetic location: 4q25.
Variant type: Insertion.
Coding change: c.1845+2130_1845+2131insAAAAAAAAAAAAAAAAAAAAA on transcript NM_198721.4 (MANE Select); bases 2130 to 2131 of the intron after coding-DNA position 1845, AAAAAAAAAAAAAAAAAAAAA inserted.
Molecular consequence: intron variant.
Genome position: GRCh38 VCF-style: chr4-108822043-A-ATTTTTTTTTTTTTTTTTTTTT. GRCh37 (hg19) VCF-style: chr4-109743199-A-ATTTTTTTTTTTTTTTTTTTTT.
Identifiers: ClinVar variation 4534613 (VCV004534613.6).

ClinVar aggregate classification (germline): Likely benign (1 of 4 stars; one submission).

Submission:

CeGaT Center for Human Genetics Tuebingen
Classification: Likely benign. Last evaluated: 2026-03-01. Review status: criteria provided, single submitter. Criteria: CeGaT Center For Human Genetics Tuebingen Variant Classification Criteria Version 2. Collection method: clinical testing. Allele origin: germline. Affected: yes. Observed: 2 variant alleles.
Comment: COL25A1: BS2